The following is an entry in ClinVar:

ClinVar aggregate classification (germline): Benign. Review status: criteria provided, multiple submitters, no conflicts (2 of 4 stars). 2 submissions from 2 submitters: Benign (2). Last evaluated 2018-06-19.

Allele frequency attached by ClinVar (database versions not stated): ESP Exome Variant Server 0.05521; gnomAD exomes 0.07413 and 0.12214; gnomAD 0.07562 and 0.08411; TOPMed 0.08323; ExAC 0.11554; 1000 Genomes Project 30x 0.16131; 1000 Genomes Project 0.16953.
gnomAD v4.1: 122,212 of 1,611,416 alleles (7.6%); highest among the groups gnomAD compares: East Asian, 52%; 10,292 homozygotes.

Submissions (2):

GeneDx
Classification: Benign. Last evaluated: 2018-06-19. Review status: criteria provided, single submitter. Criteria: GeneDx Variant Classification (06012015). Collection method: clinical testing. Allele origin: germline. Affected: yes.
Comment: This variant is considered likely benign or benign based on one or more of the following criteria: it is a conservative change, it occurs at a poorly conserved position in the protein, it is predicted to be benign by multiple in silico algorithms, and/or has population frequency not consistent with disease.

Breakthrough Genomics
Classification: Benign. Review status: criteria provided, single submitter. Criteria: ACMG Guidelines, 2015. Collection method: not provided. Allele origin: germline. Inheritance: Autosomal recessive inheritance. Affected: yes.

NM_032634.4(PIGO):c.3070-51C>T

Gene: PIGO (phosphatidylinositol glycan anchor biosynthesis class O; minus strand). Cytogenetic location: 9p13.3.
Variant type: single nucleotide variant.
Coding change: c.3070-51C>T on transcript NM_032634.4 (MANE Select); 51 bases into the intron before coding-DNA position 3070, C replaced by T.
Molecular consequence: intron variant.
Genome position (GRCh38, 1-based): chr9:35,089,501, G>A on the plus strand (C>T on the coding strand, the complement: PIGO is on the minus strand). VCF-style: chr9-35089501-G-A. GRCh37 (hg19) VCF-style: chr9-35089498-G-A.
Other names: c.1819-51C>T (NM_152850.4, NM_001201484.2).
Identifiers: ClinVar variation 670827 (VCV000670827.2), dbSNP rs10972310, ClinGen allele CA5040265.